The following is an entry in ClinVar:

ClinVar aggregate classification (germline): Uncertain significance. Review status: criteria provided, multiple submitters, no conflicts (2 of 4 stars). 2 submissions from 2 submitters: Uncertain significance (2). Last evaluated 2022-08-18.

Conditions:
Inborn genetic diseases. Identifiers: MedGen C0950123, MeSH D030342.

Allele frequency attached by ClinVar (database versions not stated): gnomAD exomes 0.00001; gnomAD 0.00003; TOPMed 0.00003.
gnomAD v4.1: 24 of 1,508,194 alleles (0.0016%); highest among the groups gnomAD compares: African/African-American, 0.0043%; no homozygotes.

Submissions (2):

GeneDx
Classification: Uncertain significance. Last evaluated: 2022-08-18. Review status: criteria provided, single submitter. Criteria: GeneDx Variant Classification Process June 2021. Collection method: clinical testing. Allele origin: germline. Affected: yes.
Comment: Not observed at significant frequency in large population cohorts (gnomAD); In silico analysis supports that this missense variant does not alter protein structure/function; Has not been previously published as pathogenic or benign to our knowledge

Ambry Genetics
Classification: Uncertain significance for Inborn genetic diseases. Last evaluated: 2021-08-23. Review status: criteria provided, single submitter. Criteria: Ambry Variant Classification Scheme 2023. Collection method: clinical testing. Allele origin: germline.

NM_016239.4(MYO15A):c.2326C>T (p.Pro776Ser)

Gene: MYO15A (myosin XVA; plus strand). Cytogenetic location: 17p11.2.
Variant type: single nucleotide variant.
Coding change: c.2326C>T on transcript NM_016239.4 (MANE Select); coding-DNA position 2326, C replaced by T.
Protein change: p.Pro776Ser; replaces proline 776 with serine.
Molecular consequence: missense variant.
Genome position (GRCh38, 1-based): chr17:18,121,126, C>T. VCF-style: chr17-18121126-C-T. GRCh37 (hg19) VCF-style: chr17-18024440-C-T.
Other names: short protein forms P776S.
Identifiers: ClinVar variation 2246813 (VCV002246813.3), dbSNP rs1020096056, ClinGen allele CA288388791.